The following is an entry in ClinVar:

NM_032608.7(MYO18B):c.7005G>A (p.Gly2335=)

Gene: MYO18B (myosin XVIIIB; plus strand). Cytogenetic location: 22q12.1.
Variant type: single nucleotide variant.
Coding change: c.7005G>A on transcript NM_032608.7 (MANE Select); coding-DNA position 7005, G replaced by A.
Protein change: p.Gly2335=; no amino-acid change (glycine 2335 retained).
Molecular consequence: synonymous variant.
Genome position (GRCh38, 1-based): chr22:26,026,979, G>A. VCF-style: chr22-26026979-G-A. GRCh37 (hg19) VCF-style: chr22-26422945-G-A.
Other names: c.7008G>A, p.Gly2336= (NM_001318245.2); c.7005G>A (NM_032608.6).
Identifiers: ClinVar variation 1648823 (VCV001648823.11), dbSNP rs757714446, ClinGen allele CA10161662.

ClinVar aggregate classification (germline): Likely benign. Review status: criteria provided, multiple submitters, no conflicts (2 of 4 stars). 3 submissions from 3 submitters: Likely benign (2). 1 of the submissions does not count toward it. Last evaluated 2024-11-23.

Conditions:
MYO18B-related disorder. Also called: MYO18B-related condition.

Allele frequency attached by ClinVar (database versions not stated): ExAC 0.00001; gnomAD exomes 0.00002 and 0.00006; gnomAD 0.00003 and 0.00004; TOPMed 0.00004.
gnomAD v4.1: 98 of 1,613,734 alleles (0.0061%); highest among the groups gnomAD compares: Non-Finnish European, 0.0075%; no homozygotes.

Submissions (3):

Labcorp Genetics (formerly Invitae), Labcorp
Classification: Likely benign. Last evaluated: 2024-11-23. Review status: criteria provided, single submitter. Criteria: Invitae Variant Classification Sherloc (09022015). Collection method: clinical testing. Allele origin: germline.

Blueprint Genetics
Classification: Likely benign. Last evaluated: 2022-09-01. Review status: criteria provided, single submitter. Criteria: ACMG Guidelines, 2015. Collection method: clinical testing. Allele origin: germline.

PreventionGenetics, part of Exact Sciences
Classification: Likely benign for MYO18B-related condition. Last evaluated: 2020-02-26. Review status: no assertion criteria provided. Collection method: clinical testing. Allele origin: germline. Not counted in ClinVar's aggregate classification.
Comment: This variant is classified as likely benign based on ACMG/AMP sequence variant interpretation guidelines (Richards et al. 2015 PMID: 25741868, with internal and published modifications).